The following is an entry in ClinVar:

NM_005120.3(MED12):c.5026-249A>T

Gene: MED12 (mediator complex subunit 12; plus strand). Cytogenetic location: Xq13.1.
Variant type: single nucleotide variant.
Coding change: c.5026-249A>T on transcript NM_005120.3 (MANE Select); 249 bases into the intron before coding-DNA position 5026, A replaced by T.
Molecular consequence: intron variant.
Genome position (GRCh38, 1-based): chrX:71,136,032, A>T. VCF-style: chrX-71136032-A-T. GRCh37 (hg19) VCF-style: chrX-70355882-A-T.
Identifiers: ClinVar variation 683154 (VCV000683154.2), dbSNP rs12839587, ClinGen allele CA15047662.

ClinVar aggregate classification (germline): Benign. Review status: criteria provided, multiple submitters, no conflicts (2 of 4 stars). 2 submissions from 2 submitters: Benign (2). Last evaluated 2018-06-14.

Allele frequency attached by ClinVar (database versions not stated): 1000 Genomes Project 0.12371; 1000 Genomes Project 30x 0.12737; TOPMed 0.22333; gnomAD 0.24101 and 0.24594.
gnomAD v4.1: 23,140 of 95,354 alleles (24%); highest among the groups gnomAD compares: Middle Eastern, 49%; 2,669 homozygotes.

Submissions (2):

GeneDx
Classification: Benign. Last evaluated: 2018-06-14. Review status: criteria provided, single submitter. Criteria: GeneDx Variant Classification (06012015). Collection method: clinical testing. Allele origin: germline. Affected: yes.
Comment: This variant is considered likely benign or benign based on one or more of the following criteria: it is a conservative change, it occurs at a poorly conserved position in the protein, it is predicted to be benign by multiple in silico algorithms, and/or has population frequency not consistent with disease.

Breakthrough Genomics
Classification: Benign. Review status: criteria provided, single submitter. Criteria: ACMG Guidelines, 2015. Collection method: not provided. Allele origin: germline. Inheritance: X-linked inheritance. Affected: yes.